The following is an entry in ClinVar:

ClinVar aggregate classification (germline): Uncertain significance (1 of 4 stars; one submission).

Conditions:
Usher syndrome type 3B. Also called: USHER SYNDROME, TYPE IIIB. Identifiers: MedGen C3281066, MONDO:0013788, OMIM 614504.

Submission:

Labcorp Genetics (formerly Invitae), Labcorp
Classification: Uncertain significance for Usher syndrome type 3B. Last evaluated: 2023-11-08. Review status: criteria provided, single submitter. Criteria: Invitae Variant Classification Sherloc (09022015). Collection method: clinical testing. Allele origin: germline.
Comment: This sequence change replaces glutamic acid, which is acidic and polar, with valine, which is neutral and non-polar, at codon 29 of the HARS protein (p.Glu29Val). This variant is not present in population databases (gnomAD no frequency). This variant has not been reported in the literature in individuals affected with HARS-related conditions. An algorithm developed to predict the effect of missense changes on protein structure and function (PolyPhen-2) suggests that this variant is likely to be tolerated. In summary, the available evidence is currently insufficient to determine the role of this variant in disease. Therefore, it has been classified as a Variant of Uncertain Significance.

NM_002109.6(HARS1):c.86A>T (p.Glu29Val)

Genes: HARS1 (histidyl-tRNA synthetase 1; minus strand), LOC129994848 (ATAC-STARR-seq lymphoblastoid active region 23285; plus strand). Cytogenetic location: 5q31.3.
Variant type: single nucleotide variant.
Coding change: c.86A>T on transcript NM_002109.6 (MANE Select); coding-DNA position 86, A replaced by T.
Protein change: p.Glu29Val; replaces glutamic acid 29 with valine.
Molecular consequence: missense variant. On other transcripts: intron variant (1).
Genome position (GRCh38, 1-based): chr5:140,691,219, T>A on the plus strand (A>T on the coding strand, the complement: HARS1 is on the minus strand). VCF-style: chr5-140691219-T-A. GRCh37 (hg19) VCF-style: chr5-140070804-T-A.
Other names: c.86A>T, p.Glu29Val (NM_001258040.3, NM_001258041.3, NM_001258042.3 and 2 more transcripts); c.3+83A>T (NM_001289094.2); short protein forms E29V.
Identifiers: ClinVar variation 2758341 (VCV002758341.3), dbSNP rs2481343606, ClinGen allele CA361191621.